The following is an entry in ClinVar:

ClinVar aggregate classification (germline): Uncertain significance (1 of 4 stars; one submission).

Submission:

GeneDx
Classification: Uncertain significance. Last evaluated: 2024-01-24. Review status: criteria provided, single submitter. Criteria: GeneDx Variant Classification Process June 2021. Collection method: clinical testing. Allele origin: germline. Affected: yes.
Comment: Not observed at significant frequency in large population cohorts (gnomAD); In silico analysis supports that this missense variant does not alter protein structure/function; Has not been previously published as pathogenic or benign to our knowledge

NM_024408.4(NOTCH2):c.5405C>T (p.Thr1802Ile)

Gene: NOTCH2 (notch receptor 2; minus strand). Cytogenetic location: 1p12.
Variant type: single nucleotide variant.
Coding change: c.5405C>T on transcript NM_024408.4 (MANE Select); coding-DNA position 5405, C replaced by T.
Protein change: p.Thr1802Ile; replaces threonine 1802 with isoleucine.
Molecular consequence: missense variant.
Genome position (GRCh38, 1-based): chr1:119,920,303, G>A on the plus strand (C>T on the coding strand, the complement: NOTCH2 is on the minus strand). VCF-style: chr1-119920303-G-A. GRCh37 (hg19) VCF-style: chr1-120462926-G-A.
Other names: short protein forms T1802I.
Identifiers: ClinVar variation 3368262 (VCV003368262.1).